The following is an entry in ClinVar:

NM_170606.3(KMT2C):c.2697A>G (p.Ala899=)

Gene: KMT2C (lysine methyltransferase 2C; minus strand). Cytogenetic location: 7q36.1.
Variant type: single nucleotide variant.
Coding change: c.2697A>G on transcript NM_170606.3 (MANE Select); coding-DNA position 2697, A replaced by G.
Protein change: p.Ala899=; no amino-acid change (alanine 899 retained).
Molecular consequence: synonymous variant.
Genome position (GRCh38, 1-based): chr7:152,235,889, T>C on the plus strand (A>G on the coding strand, the complement: KMT2C is on the minus strand). VCF-style: chr7-152235889-T-C. GRCh37 (hg19) VCF-style: chr7-151932974-T-C.
Identifiers: ClinVar variation 3026457 (VCV003026457.22), dbSNP rs2129155532, ClinGen allele CA458701291.

ClinVar aggregate classification (germline): Likely benign (1 of 4 stars; one submission).

Submission:

CeGaT Center for Human Genetics Tuebingen
Classification: Likely benign. Last evaluated: 2023-12-01. Review status: criteria provided, single submitter. Criteria: CeGaT Center For Human Genetics Tuebingen Variant Classification Criteria Version 2. Collection method: clinical testing. Allele origin: germline. Affected: yes. Observed: 1 variant allele.
Comment: KMT2C: PM2:Supporting, BP4, BP7